The following is an entry in ClinVar:

ClinVar aggregate classification (germline): Uncertain significance (1 of 4 stars; one submission).

Conditions:
Leukodystrophy, hypomyelinating, 13. Identifiers: MedGen C4225170, MONDO:0014813, OMIM 616881.

gnomAD v4.1: 1 of 1,610,718 alleles (0.000062%); highest among the groups gnomAD compares: Non-Finnish European, 0.000085%; no homozygotes.

Submission:

Victorian Clinical Genetics Services, Murdoch Childrens Research Institute
Classification: Uncertain significance for Leukodystrophy, hypomyelinating, 13. Last evaluated: 2025-10-20. Review status: criteria provided, single submitter. Criteria: ACMG Guidelines, 2015. Collection method: clinical testing. Allele origin: germline. Affected: yes.
Comment: This variant is classified as VUS-3B. Evidence in support of pathogenic classification: Variant is present in gnomAD <0.01 for a recessive condition (v4: 1 heterozygote(s), 0 homozygote(s)); Missense variant predicted to be damaging by in silico tool(s) or highly conserved with a major amino acid change. Additional information: Variant is predicted to result in a missense amino acid change from Ala to Asp; This variant is homozygous; This gene is associated with autosomal recessive disease; Alternative amino acid change(s) at the same position are present in gnomAD (highest allele count: v4: 1 heterozygote(s), 0 homozygote(s)); This variant has no previous evidence of pathogenicity; No published evidence of segregation with disease has been identified for this variant; No published functional evidence has been identified for this variant; No comparable missense variants have previous evidence for pathogenicity; Variant is located in the annotated Hikeshi-like_N domain (DECIPHER); Loss of function is a known mechanism of disease in this gene and is associated with leukodystrophy, hypomyelinating, 13 (MIM#616881).

NM_016401.4(HIKESHI):c.239C>A (p.Ala80Asp)

Gene: HIKESHI (heat shock protein nuclear import factor hikeshi; plus strand). Cytogenetic location: 11q14.2.
Variant type: single nucleotide variant.
Coding change: c.239C>A on transcript NM_016401.4 (MANE Select); coding-DNA position 239, C replaced by A.
Protein change: p.Ala80Asp; replaces alanine 80 with aspartic acid.
Molecular consequence: missense variant. On other transcripts: non-coding transcript variant (1).
Genome position (GRCh38, 1-based): chr11:86,306,453, C>A. VCF-style: chr11-86306453-C-A. GRCh37 (hg19) VCF-style: chr11-86017495-C-A.
Other names: c.122C>A, p.Ala41Asp (NM_001322409.2, NM_001322407.2); c.239C>A, p.Ala80Asp (NM_001322404.2); short protein forms A41D, A80D.
Identifiers: ClinVar variation 4531367 (VCV004531367.1).